The following is an entry in ClinVar:

ClinVar aggregate classification (germline): Uncertain significance (1 of 4 stars; one submission).

Conditions:
Gorlin syndrome. Also called: Basal cell nevus syndrome; Nevoid Basal Cell Carcinoma Syndrome. Identifiers: Orphanet 377, MedGen C0004779, MONDO:0007187.

Submission:

Victorian Clinical Genetics Services, Murdoch Childrens Research Institute
Classification: Uncertain significance for Gorlin syndrome. Last evaluated: 2020-05-21. Review status: criteria provided, single submitter. Criteria: ACMG Guidelines, 2015. Collection method: clinical testing. Allele origin: germline. Inheritance: Autosomal dominant inheritance. Affected: yes.
Comment: Based on the classification scheme VCGS_Germline_v1.1.1, this variant is classified as VUS – 3B. Following criteria are met: 0102 - Loss-of-function is a known mechanism of disease for this gene. (N) 0107 - This gene is known to be associated with autosomal dominant disease. (N) 0200 - Variant is predicted to result in a missense amino acid change from lysine to asparagine (exon 15). (N) 0251 - Variant is heterozygous. (N) 0301 - Variant is absent from gnomAD. (P) 0502 - Missense variant with conflicting in silico predictions and uninformative conservation. (N) 0600 - Variant is located in an annotated domain or motif (Patched domain; PDB, NCBI). (N) 0705 - No comparable variants have previous evidence for pathogenicity. (N) 0807 - Variant has not previously been reported in a clinical context. (N) 0905 - No segregation evidence has been identified for this variant. (N) 1007 - No published functional evidence has been identified for this variant. (N) 1208 - Inheritance information for this variant is not currently available. (N) Legend: (P) - Pathogenic, (N) - Neutral, (B) - Benign

NM_000264.5(PTCH1):c.2388A>C (p.Lys796Asn)

Genes: PTCH1 (patched 1; minus strand), LOC100507346 (uncharacterized LOC100507346; plus strand). Cytogenetic location: 9q22.32.
Variant type: single nucleotide variant.
Coding change: c.2388A>C on transcript NM_000264.5 (MANE Select); coding-DNA position 2388, A replaced by C.
Protein change: p.Lys796Asn; replaces lysine 796 with asparagine.
Molecular consequence: missense variant.
Genome position (GRCh38, 1-based): chr9:95,467,288, T>G on the plus strand (A>C on the coding strand, the complement: PTCH1 is on the minus strand). VCF-style: chr9-95467288-T-G. GRCh37 (hg19) VCF-style: chr9-98229570-T-G.
Other names: c.2190A>C, p.Lys730Asn (NM_001083602.3); c.2385A>C, p.Lys795Asn (NM_001083603.3); c.1935A>C, p.Lys645Asn (NM_001083604.3, NM_001083605.3, NM_001083606.3 and 1 more transcripts); c.2232A>C, p.Lys744Asn (NM_001354918.2); short protein forms K645N, K730N, K744N, K795N, K796N.
Identifiers: ClinVar variation 1805551 (VCV001805551.1), dbSNP rs138107627, ClinGen allele CA374114390.